The following is an entry in ClinVar:

ClinVar aggregate classification (germline): Uncertain significance (1 of 4 stars; one submission).

Conditions:
Hypertrophic cardiomyopathy. Also called: HYPERTROPHIC MYOCARDIOPATHY. Identifiers: Orphanet 217569, MedGen C0007194, MeSH D002312, MONDO:0005045, HP:0001639.

gnomAD v4.1: 2 of 1,575,706 alleles (0.00013%); highest among the groups gnomAD compares: Non-Finnish European, 0.00017%; no homozygotes.

Submission:

Labcorp Genetics (formerly Invitae), Labcorp
Classification: Uncertain significance for Hypertrophic cardiomyopathy. Last evaluated: 2025-04-18. Review status: criteria provided, single submitter. Criteria: Invitae Variant Classification Sherloc (09022015). Collection method: clinical testing. Allele origin: germline.
Comment: This sequence change replaces isoleucine, which is neutral and non-polar, with threonine, which is neutral and polar, at codon 636 of the MYBPC3 protein (p.Ile636Thr). This variant is not present in population databases (gnomAD no frequency). This variant has not been reported in the literature in individuals affected with MYBPC3-related conditions. An algorithm developed to predict the effect of missense changes on protein structure and function (PolyPhen-2) suggests that this variant is likely to be disruptive. In summary, the available evidence is currently insufficient to determine the role of this variant in disease. Therefore, it has been classified as a Variant of Uncertain Significance.

NM_000256.3(MYBPC3):c.1907T>C (p.Ile636Thr)

Gene: MYBPC3 (myosin binding protein C3; minus strand). Cytogenetic location: 11p11.2.
Variant type: single nucleotide variant.
Coding change: c.1907T>C on transcript NM_000256.3 (MANE Select); coding-DNA position 1907, T replaced by C.
Protein change: p.Ile636Thr; replaces isoleucine 636 with threonine.
Molecular consequence: missense variant.
Genome position (GRCh38, 1-based): chr11:47,341,023, A>G on the plus strand (T>C on the coding strand, the complement: MYBPC3 is on the minus strand). VCF-style: chr11-47341023-A-G. GRCh37 (hg19) VCF-style: chr11-47362574-A-G.
Other names: short protein forms I636T.
Identifiers: ClinVar variation 4747429 (VCV004747429.1).
Genomic context (GRCh38, chr11:47,341,023, plus strand): 5'-AAAGTGAGCAGAACCAAGACTCAGGGGCCCCAAGACTTACCCTGCCTGGGTACGAAGTCA[A>G]TCTTGACCTCTGCAAGAGAAGGAAGAGCAAGTAGCACGGGGGCAAAGGCAGGGCCCAGTG-3'
Protein context (NP_000247.2, residues 626-646): SAKLHFMEVK[Ile636Thr]DFVPRQEPPK